The following is an entry in ClinVar:

ClinVar aggregate classification (germline): Uncertain significance (1 of 4 stars; one submission).

Submission:

Labcorp Genetics (formerly Invitae), Labcorp
Classification: Uncertain significance. Last evaluated: 2025-10-01. Review status: criteria provided, single submitter. Criteria: Invitae Variant Classification Sherloc (09022015). Collection method: clinical testing. Allele origin: germline.
Comment: This sequence change falls in intron 20 of the DHX37 gene. It does not directly change the encoded amino acid sequence of the DHX37 protein. Information on the frequency of this variant in the gnomAD database is not available, as this variant may be reported differently in the database. This variant has not been reported in the literature in individuals affected with DHX37-related conditions. ClinVar contains an entry for this variant (Variation ID: 1971915). Experimental studies and prediction algorithms are not available or were not evaluated, and the effect of this variant on mRNA splicing is currently unknown. In summary, the available evidence is currently insufficient to determine the role of this variant in disease. Therefore, it has been classified as a Variant of Uncertain Significance.

NM_032656.4(DHX37):c.2695+12_2695+13inv

Gene: DHX37 (DEAH-box helicase 37; minus strand). Cytogenetic location: 12q24.31.
Variant type: Inversion.
Coding change: c.2695+12_2695+13inv on transcript NM_032656.4 (MANE Select).
Molecular consequence: intron variant.
Genome position: GRCh38 VCF-style: chr12-124953867-CA-TG. GRCh37 (hg19) VCF-style: chr12-125438413-CA-TG.
Identifiers: ClinVar variation 1971915 (VCV001971915.5), ClinGen allele CA2580085960.